The following is an entry in ClinVar:

NM_001348716.2(KDM6B):c.1628C>T (p.Pro543Leu)

Gene: KDM6B (lysine demethylase 6B; plus strand). Cytogenetic location: 17p13.1.
Variant type: single nucleotide variant.
Coding change: c.1628C>T on transcript NM_001348716.2 (MANE Select); coding-DNA position 1628, C replaced by T.
Protein change: p.Pro543Leu; replaces proline 543 with leucine.
Molecular consequence: missense variant.
Genome position (GRCh38, 1-based): chr17:7,847,916, C>T. VCF-style: chr17-7847916-C-T. GRCh37 (hg19) VCF-style: chr17-7751234-C-T.
Other names: c.1628C>T, p.Pro543Leu (NM_001080424.2); short protein forms P543L.
Identifiers: ClinVar variation 4087886 (VCV004087886.1).
Genomic context (GRCh38, chr17:7,847,916, plus strand): 5'-AGGGCTTCTTGGGGCCTCCGGCCTCCCGCTTTTCTGTGGGCACTCAGGATTCTCACACCC[C>T]TCCCACTCCCCCAACCCCAACCACCAGCAGTAGCAACAGCAACAGTGGCAGCCACAGCAG-3'
Protein context (NP_001335645.1, residues 533-553): FSVGTQDSHT[Pro543Leu]PTPPTPTTSS

ClinVar aggregate classification (germline): Uncertain significance (1 of 4 stars; one submission).

Submission:

GeneDx
Classification: Uncertain significance. Last evaluated: 2025-03-25. Review status: criteria provided, single submitter. Criteria: GeneDx Variant Classification Process June 2021. Collection method: clinical testing. Allele origin: germline. Affected: yes.
Comment: Not observed at significant frequency in large population cohorts (gnomAD); In silico analysis indicates that this missense variant does not alter protein structure/function; Has not been previously published as pathogenic or benign to our knowledge